The following is an entry in ClinVar:

ClinVar aggregate classification (germline): Conflicting classifications of pathogenicity. Review status: criteria provided, conflicting classifications (1 of 4 stars). 3 submissions from 3 submitters: Uncertain significance (1); Benign (1); Likely benign (1). Last evaluated 2026-01-20.

Conditions:
Wiskott-Aldrich syndrome (WAS). Also called: ALDRICH SYNDROME; IMMUNODEFICIENCY 2; Wiskott-aldrich syndrome, somatic; WISKOTT-ALDRICH SYNDROME 1. Identifiers: Orphanet 906, MedGen C0043194, MONDO:0010518, OMIM 301000.
Thrombocytopenia 1. Also called: X-Linked Thrombocytopenia (XLT); THROMBOCYTOPENIA, X-LINKED, 1; X-linked thrombocytopenia with normal platelets. Identifiers: Orphanet 268322, Orphanet 852, MedGen C1839163, MONDO:0010743, OMIM 313900.
X-linked severe congenital neutropenia (SCNX). Identifiers: Orphanet 86788, MedGen C1845987, MONDO:0010294, OMIM 300299.

Submissions (3):

Labcorp Genetics (formerly Invitae), Labcorp
Classification: Benign for Wiskott-Aldrich syndrome; X-linked severe congenital neutropenia; Thrombocytopenia 1. Last evaluated: 2026-01-20. Review status: criteria provided, single submitter. Criteria: Invitae Variant Classification Sherloc (09022015). Collection method: clinical testing. Allele origin: germline.

Women's Health and Genetics/Laboratory Corporation of America, LabCorp
Classification: Uncertain significance. Last evaluated: 2026-01-09. Review status: criteria provided, single submitter. Criteria: LabCorp Variant Classification Summary - May 2015. Collection method: clinical testing. Allele origin: germline.
Comment: Variant summary: WAS c.1197_1205delACCGCCACC (p.Pro402_Pro404del) results in an in-frame deletion that is predicted to remove 3 amino acids from the encoded protein. The variant allele was found at a frequency of 0.00016 in 104064 control chromosomes, predominantly at a frequency of 0.00033 within the South Asian subpopulation in the gnomAD database. The available data on variant occurrences in the general population are insufficient to allow any conclusion about variant significance. To our knowledge, no occurrence of c.1197_1205delACCGCCACC in individuals affected with WAS-related conditions and no experimental evidence demonstrating its impact on protein function have been reported. ClinVar contains an entry for this variant (Variation ID: 36908). Based on the evidence outlined above, the variant was classified as uncertain significance.

Mayo Clinic Laboratories, Mayo Clinic
Classification: Likely benign. Last evaluated: 2024-05-29. Review status: criteria provided, single submitter. Criteria: ACMG Guidelines, 2015. Collection method: clinical testing. Allele origin: germline. Observed: 2 variant alleles.
Comment: BS1, PM4

NM_000377.3(WAS):c.1188ACCGCCACC[1] (p.Pro402_Pro404del)

Gene: WAS (WASP actin nucleation promoting factor; plus strand). Cytogenetic location: Xp11.23.
Variant type: Microsatellite.
Coding change: c.1188ACCGCCACC[1] on transcript NM_000377.3 (MANE Select); one copy of the 9-base unit ACCGCCACC starting at c.1188; the reference has two copies in a row; one copy, 9 bases deleted; also written c.1197_1205del.
Protein change: p.Pro402_Pro404del.
Molecular consequence: inframe deletion.
Genome position (GRCh38, 1-based): chrX:48,688,925-48,688,933, ACCGCCACC deleted; deleting any 9 consecutive bases within chrX:48,688,911-48,688,933 gives the same sequence; the position shown is the placement nearest the transcript's 3' end. VCF-style (leftmost placement, unchanged base first): chrX-48688910-ACCACCACCG-A. GRCh37 (hg19) VCF-style: chrX-48547299-ACCACCACCG-A.
Other names: p.Pro402_Pro404del; c.1197_1205delACCGCCACC (NM_000377.2, NM_000377.3); c.1197_1205del (NM_000377.3).
Identifiers: ClinVar variation 36908 (VCV000036908.17), dbSNP rs193922412, ClinGen allele CA342890.